The following is an entry in ClinVar:

NM_000152.5(GAA):c.1180G>A (p.Ala394Thr)

Gene: GAA (alpha glucosidase; plus strand). Cytogenetic location: 17q25.3.
Variant type: single nucleotide variant.
Coding change: c.1180G>A on transcript NM_000152.5 (MANE Select); coding-DNA position 1180, G replaced by A.
Protein change: p.Ala394Thr; replaces alanine 394 with threonine.
Molecular consequence: missense variant.
Genome position (GRCh38, 1-based): chr17:80,108,593, G>A. VCF-style: chr17-80108593-G-A. GRCh37 (hg19) VCF-style: chr17-78082392-G-A.
Other names: c.1180G>A, p.Ala394Thr (NM_001079803.3, NM_001079804.3); short protein forms A394T.
Identifiers: ClinVar variation 839690 (VCV000839690.11), dbSNP rs190889375, ClinGen allele CA294892303.

ClinVar aggregate classification (germline): Uncertain significance. Review status: criteria provided, multiple submitters, no conflicts (2 of 4 stars). 3 submissions from 3 submitters: Uncertain significance (2). 1 of the submissions does not count toward it. Last evaluated 2026-03-01.

Conditions:
Glycogen storage disease, type II (IOPD). Also called: GLYCOGENOSIS, GENERALIZED, CARDIAC FORM; GSD II; POMPE DISEASE, INFANTILE-ONSET; GLYCOGEN STORAGE DISEASE II, INFANTILE-ONSET; ACID ALPHA-GLUCOSIDASE DEFICIENCY, INFANTILE-ONSET; GAA DEFICIENCY, INFANTILE-ONSET. Identifiers: Orphanet 365, MedGen C0017921, MONDO:0009290, OMIM 232300.
Cardiovascular phenotype. Identifiers: MedGen CN230736.

Allele frequency attached by ClinVar (database versions not stated): gnomAD exomes below 0.00001; TOPMed below 0.00001; gnomAD 0.00001; 1000 Genomes Project 0.00020; 1000 Genomes Project 30x 0.00031.
gnomAD v4.1: 2 of 1,612,780 alleles (0.00012%); highest among the groups gnomAD compares: East Asian, 0.0022%; no homozygotes.

Submissions (3):

Ambry Genetics
Classification: Uncertain significance for Cardiovascular phenotype. Last evaluated: 2026-03-01. Review status: criteria provided, single submitter. Criteria: Ambry Variant Classification Scheme 2023. Collection method: clinical testing. Allele origin: germline.
Comment: The p.A394T variant (also known as c.1180G>A), located in coding exon 6 of the GAA gene, results from a G to A substitution at nucleotide position 1180. The alanine at codon 394 is replaced by threonine, an amino acid with similar properties. This amino acid position is conserved. In addition, the in silico prediction for this alteration is inconclusive. Based on the available evidence, the clinical significance of this variant remains unclear.

Labcorp Genetics (formerly Invitae), Labcorp
Classification: Uncertain significance for Glycogen storage disease, type II. Last evaluated: 2025-02-27. Review status: criteria provided, single submitter. Criteria: Invitae Variant Classification Sherloc (09022015). Collection method: clinical testing. Allele origin: germline.
Comment: This sequence change replaces alanine, which is neutral and non-polar, with threonine, which is neutral and polar, at codon 394 of the GAA protein (p.Ala394Thr). This variant is not present in population databases (gnomAD no frequency). This variant has not been reported in the literature in individuals affected with GAA-related conditions. ClinVar contains an entry for this variant (Variation ID: 839690). An algorithm developed to predict the effect of missense changes on protein structure and function outputs the following: PolyPhen-2: "Benign". The threonine amino acid residue is found in multiple mammalian species, which suggests that this missense change does not adversely affect protein function. In summary, the available evidence is currently insufficient to determine the role of this variant in disease. Therefore, it has been classified as a Variant of Uncertain Significance.

Natera, Inc.
Classification: Uncertain significance for Glycogen storage disease type II. Last evaluated: 2021-02-16. Review status: no assertion criteria provided. Collection method: clinical testing. Allele origin: germline. Not counted in ClinVar's aggregate classification.